The following is an entry in ClinVar:

NM_001349338.3(FOXP1):c.1221_1227del (p.Thr408fs)

Gene: FOXP1 (forkhead box P1; minus strand). Cytogenetic location: 3p13.
Variant type: Deletion.
Coding change: c.1221_1227del on transcript NM_001349338.3 (MANE Select); coding-DNA positions 1221 to 1227, 7 bases deleted (AACGACC; older notation c.1221_1227delAACGACC).
Protein change: p.Thr408fs; shifts the reading frame from threonine 408.
Molecular consequence: frameshift variant. On other transcripts: non-coding transcript variant (2).
Genome position (GRCh38, 1-based): chr3:70,977,949-70,977,955, GGTCGTT deleted on the plus strand (AACGACC on the coding strand, the reverse complement: FOXP1 is on the minus strand); deleting any 7 consecutive bases within chr3:70,977,949-70,977,957 gives the same sequence; the c. name uses the placement nearest the transcript's 3' end. VCF-style (leftmost placement, unchanged base first): chr3-70977948-GGGTCGTT-G. GRCh37 (hg19) VCF-style: chr3-71027099-GGGTCGTT-G.
Other names: c.1221_1227del, p.Thr408fs (NM_001244808.3, NM_001244810.2, NM_001244814.3 and 3 more transcripts); c.993_999del, p.Thr332fs (NM_001244812.3); c.921_927del, p.Thr308fs (NM_001244813.3, NM_001244815.2, NM_001349342.3 and 1 more transcripts); c.918_924del, p.Thr307fs (NM_001349337.2, NM_001349343.3, NM_001349344.3); c.1218_1224del, p.Thr407fs (NM_001349341.3); short protein forms T332fs, T308fs, T407fs, T307fs, T408fs.
Identifiers: ClinVar variation 3645196 (VCV003645196.2).

ClinVar aggregate classification (germline): Pathogenic (1 of 4 stars; one submission).

Submission:

Labcorp Genetics (formerly Invitae), Labcorp
Classification: Pathogenic. Last evaluated: 2024-03-17. Review status: criteria provided, single submitter. Criteria: Invitae Variant Classification Sherloc (09022015). Collection method: clinical testing. Allele origin: germline.
Comment: This sequence change creates a premature translational stop signal (p.Thr408Glnfs*5) in the FOXP1 gene. It is expected to result in an absent or disrupted protein product. Loss-of-function variants in FOXP1 are known to be pathogenic (PMID: 28735298). This variant is not present in population databases (gnomAD no frequency). This variant has not been reported in the literature in individuals affected with FOXP1-related conditions. For these reasons, this variant has been classified as Pathogenic.

Literature cited by the submitters: PubMed 28735298.